The following is an entry in ClinVar:

ClinVar aggregate classification (germline): Uncertain significance (1 of 4 stars; one submission).

Submission:

Labcorp Genetics (formerly Invitae), Labcorp
Classification: Uncertain significance. Last evaluated: 2021-08-20. Review status: criteria provided, single submitter. Criteria: Invitae Variant Classification Sherloc (09022015). Collection method: clinical testing. Allele origin: germline.
Comment: This variant, c.3162_3242del, results in the deletion of 27 amino acid(s) of the TUBGCP6 protein (p.Asp1058_Ser1084del), but otherwise preserves the integrity of the reading frame. This variant is not present in population databases (ExAC no frequency). This variant has not been reported in the literature in individuals affected with TUBGCP6-related conditions. Experimental studies and prediction algorithms are not available or were not evaluated, and the functional significance of this variant is currently unknown. In summary, the available evidence is currently insufficient to determine the role of this variant in disease. Therefore, it has been classified as a Variant of Uncertain Significance.

NM_020461.4(TUBGCP6):c.3162_3242del (p.Asp1058_Ser1084del)

Gene: TUBGCP6 (tubulin gamma complex component 6; minus strand). Cytogenetic location: 22q13.33.
Variant type: Deletion.
Coding change: c.3162_3242del on transcript NM_020461.4 (MANE Select); coding-DNA positions 3162 to 3242, 81 bases deleted.
Protein change: p.Asp1058_Ser1084del.
Molecular consequence: inframe deletion.
Genome position (GRCh38, 1-based): chr22:50,221,117-50,221,197, 81 bases deleted. GRCh37 (hg19): chr22:50,659,567-50,659,647.
Identifiers: ClinVar variation 1515159 (VCV001515159.5), dbSNP rs2147179111, ClinGen allele CA2573158257.